The following is an entry in ClinVar:

ClinVar aggregate classification (germline): Likely pathogenic (1 of 4 stars; one submission).

Submission:

GeneDx
Classification: Likely pathogenic. Last evaluated: 2018-10-02. Review status: criteria provided, single submitter. Criteria: GeneDx Variant Classification (06012015). Collection method: clinical testing. Allele origin: germline. Affected: yes.
Comment: A variant that is likely pathogenic has been identified in the SEPSECS gene. The c.652_653delCT variant has not been published as a pathogenic variant, nor has it been reported as a benign variant to our knowledge. This variant is not observed in large population cohorts (Lek et al., 2016). The c.652_653delCT variant causes a frameshift starting with codon Leucine 218, changes this amino acid to a Valine residue, and creates a premature Stop codon at position 15 of the new reading frame, denoted p.Leu218ValfsX15. This variant is predicted to cause loss of normal protein function either through protein truncation or nonsense-mediated mRNA decay. Therefore, this variant is likely pathogenic; however, the possibility that it is benign cannot be excluded.

NM_016955.4(SEPSECS):c.652_653del (p.Leu218fs)

Gene: SEPSECS (Sep (O-phosphoserine) tRNA:Sec (selenocysteine) tRNA synthase; minus strand). Cytogenetic location: 4p15.2.
Variant type: Deletion.
Coding change: c.652_653del on transcript NM_016955.4 (MANE Select); coding-DNA positions 652 to 653, 2 bases deleted (CT; older notation c.652_653delCT).
Protein change: p.Leu218fs; shifts the reading frame from leucine 218.
Molecular consequence: frameshift variant.
Genome position (GRCh38, 1-based): chr4:25,155,046-25,155,047, AG deleted on the plus strand (CT on the coding strand, the reverse complement: SEPSECS is on the minus strand); deleting any 2 consecutive bases within chr4:25,155,046-25,155,048 gives the same sequence; the c. name uses the placement nearest the transcript's 3' end. VCF-style (leftmost placement, unchanged base first): chr4-25155045-CAG-C. GRCh37 (hg19) VCF-style: chr4-25156667-CAG-C.
Other names: short protein forms L218fs.
Identifiers: ClinVar variation 817833 (VCV000817833.1), dbSNP rs1577629146, ClinGen allele CA915943040.